The following is an entry in ClinVar:

NM_144997.7(FLCN):c.423C>G (p.Ile141Met)

Gene: FLCN (folliculin; minus strand). Cytogenetic location: 17p11.2.
Variant type: single nucleotide variant.
Coding change: c.423C>G on transcript NM_144997.7 (MANE Select); coding-DNA position 423, C replaced by G.
Protein change: p.Ile141Met; replaces isoleucine 141 with methionine.
Molecular consequence: missense variant.
Genome position (GRCh38, 1-based): chr17:17,224,117, G>C on the plus strand (C>G on the coding strand, the complement: FLCN is on the minus strand). VCF-style: chr17-17224117-G-C. GRCh37 (hg19) VCF-style: chr17-17127431-G-C.
Other names: c.477C>G, p.Ile159Met (NM_001353229.2); c.423C>G, p.Ile141Met (NM_001353230.2, NM_001353231.2, NM_144606.7); short protein forms I159M, I141M.
Identifiers: ClinVar variation 2906655 (VCV002906655.4), dbSNP rs2047181085, ClinGen allele CA398534600.

ClinVar aggregate classification (germline): Uncertain significance. Review status: criteria provided, multiple submitters, no conflicts (2 of 4 stars). 2 submissions from 2 submitters: Uncertain significance (2). Last evaluated 2025-10-30.

Conditions:
Hereditary cancer-predisposing syndrome. Also called: Hereditary Cancer Syndrome; Tumor predisposition; Neoplastic Syndromes, Hereditary; Hereditary neoplastic syndrome. Identifiers: Orphanet 140162, MedGen C0027672, MeSH D009386, MONDO:0015356.
Birt-Hogg-Dube syndrome. Also called: Birt Hogg Dubé syndrome. Identifiers: Orphanet 122, MedGen C0346010, MONDO:0800444.

Allele frequency attached by ClinVar (database versions not stated): TOPMed below 0.00001.

Submissions (2):

Ambry Genetics
Classification: Uncertain significance for Hereditary cancer-predisposing syndrome. Last evaluated: 2025-10-30. Review status: criteria provided, single submitter. Criteria: Ambry Variant Classification Scheme 2023. Collection method: clinical testing. Allele origin: germline.
Comment: The p.I141M variant (also known as c.423C>G), located in coding exon 3 of the FLCN gene, results from a C to G substitution at nucleotide position 423. The isoleucine at codon 141 is replaced by methionine, an amino acid with highly similar properties. This amino acid position is conserved. In addition, the in silico prediction for this alteration is inconclusive. Based on the available evidence, the clinical significance of this variant remains unclear.

Labcorp Genetics (formerly Invitae), Labcorp
Classification: Uncertain significance for Birt-Hogg-Dube syndrome. Last evaluated: 2025-08-26. Review status: criteria provided, single submitter. Criteria: Invitae Variant Classification Sherloc (09022015). Collection method: clinical testing. Allele origin: germline.
Comment: This sequence change replaces isoleucine, which is neutral and non-polar, with methionine, which is neutral and non-polar, at codon 141 of the FLCN protein (p.Ile141Met). This variant is not present in population databases (gnomAD no frequency). This variant has not been reported in the literature in individuals affected with FLCN-related conditions. ClinVar contains an entry for this variant (Variation ID: 2906655). Invitae Evidence Modeling of protein sequence and biophysical properties (such as structural, functional, and spatial information, amino acid conservation, physicochemical variation, residue mobility, and thermodynamic stability) indicates that this missense variant is not expected to disrupt FLCN protein function with a negative predictive value of 80%. In summary, the available evidence is currently insufficient to determine the role of this variant in disease. Therefore, it has been classified as a Variant of Uncertain Significance.